The following is an entry in ClinVar:

NM_170682.4(P2RX2):c.1133T>C (p.Phe378Ser)

Gene: P2RX2 (purinergic receptor P2X 2; plus strand). Cytogenetic location: 12q24.33.
Variant type: single nucleotide variant.
Coding change: c.1133T>C on transcript NM_170682.4 (MANE Select); coding-DNA position 1133, T replaced by C.
Protein change: p.Phe378Ser; replaces phenylalanine 378 with serine.
Molecular consequence: missense variant. On other transcripts: 3 prime UTR variant (1).
Genome position (GRCh38, 1-based): chr12:132,621,689, T>C. VCF-style: chr12-132621689-T-C. GRCh37 (hg19) VCF-style: chr12-133198275-T-C.
Other names: c.1031T>C, p.Phe344Ser (NM_001282164.2); c.*180T>C (NM_001282165.2); c.917T>C, p.Phe306Ser (NM_012226.5); c.1061T>C, p.Phe354Ser (NM_016318.4); c.1211T>C, p.Phe404Ser (NM_170683.4); c.857T>C, p.Phe286Ser (NM_174872.3); c.1133T>C, p.Phe378Ser (NM_174873.3); c.1133T>C (NM_174873.2); short protein forms F286S, F306S, F344S, F354S, F378S, F404S.
Identifiers: ClinVar variation 1185581 (VCV001185581.9), dbSNP rs143626910, ClinGen allele CA6891837.
Genomic context (GRCh38, chr12:132,621,689, plus strand): 5'-TGTGCGACTGGATCTTGCTAACATTCATGAACAAAAACAAGGTCTACAGCCATAAGAAAT[T>C]TGACAAGGTGTGTACGCCGAGCCACCCCTCAGGTAGCTGGCCTGTGACCCTTGCCCGTGT-3'
Protein context (NP_733782.1, residues 368-388): NKNKVYSHKK[Phe378Ser]DKVCTPSHPS

ClinVar aggregate classification (germline): Conflicting classifications of pathogenicity. Review status: criteria provided, conflicting classifications (1 of 4 stars). 3 submissions from 3 submitters: Uncertain significance (2); Likely benign (1). Last evaluated 2025-05-12.

Conditions:
Bilateral sensorineural hearing impairment. Also called: Bilateral sensorineural hearing loss. Identifiers: MedGen C0452138, HP:0008619.

Allele frequency attached by ClinVar (database versions not stated): gnomAD 0.00009; ESP Exome Variant Server 0.00015; gnomAD exomes 0.00004; ExAC 0.00005; TOPMed 0.00009.
gnomAD v4.1: 43 of 1,613,610 alleles (0.0027%); highest among the groups gnomAD compares: Middle Eastern, 0.033%; no homozygotes.

Submissions (3):

GeneDx
Classification: Uncertain significance. Last evaluated: 2025-05-12. Review status: criteria provided, single submitter. Criteria: GeneDx Variant Classification Process June 2021. Collection method: clinical testing. Allele origin: germline.
Comment: In silico analysis supports that this missense variant has a deleterious effect on protein structure/function; Has not been previously published as pathogenic or benign to our knowledge

Labcorp Genetics (formerly Invitae), Labcorp
Classification: Likely benign. Last evaluated: 2022-03-02. Review status: criteria provided, single submitter. Criteria: Invitae Variant Classification Sherloc (09022015). Collection method: clinical testing. Allele origin: germline.

Laboratory of Human Genetics, Institute of Biosciences - University of Sao Paulo
Classification: Uncertain significance for Bilateral sensorineural hearing impairment. Review status: criteria provided, single submitter. Criteria: ClinGen HL ACMG Specifications v1. Collection method: research. Allele origin: germline. Affected: yes. Observed: 1 heterozygote.

Literature cited by the submitters: PubMed 34652575 (cited by Laboratory of Human Genetics, Institute of Biosciences - University of Sao Paulo); PubMed 19461658 (cited by Laboratory of Human Genetics, Institute of Biosciences - University of Sao Paulo).